The following is an entry in ClinVar:

NM_002317.7(LOX):c.241A>G (p.Asn81Asp)

Genes: SRFBP1 (serum response factor binding protein 1; plus strand), LOX (lysyl oxidase; minus strand). Cytogenetic location: 5q23.1.
Variant type: single nucleotide variant.
Coding change: c.241A>G on transcript NM_002317.7 (MANE Select); coding-DNA position 241, A replaced by G.
Protein change: p.Asn81Asp; replaces asparagine 81 with aspartic acid.
Molecular consequence: missense variant.
Genome position (GRCh38, 1-based): chr5:122,077,745, T>C on the plus strand (A>G on the coding strand, the complement: LOX is on the minus strand). VCF-style: chr5-122077745-T-C. GRCh37 (hg19) VCF-style: chr5-121413440-T-C.
Other names: short protein forms N81D.
Identifiers: ClinVar variation 1397047 (VCV001397047.7), dbSNP rs1754683901, ClinGen allele CA360877371.

ClinVar aggregate classification (germline): Uncertain significance. Review status: criteria provided, multiple submitters, no conflicts (2 of 4 stars). 2 submissions from 2 submitters: Uncertain significance (2). Last evaluated 2024-11-15.

Allele frequency attached by ClinVar (database versions not stated): gnomAD 0.00001; TOPMed 0.00001.
gnomAD v4.1: 27 of 1,567,664 alleles (0.0017%); highest among the groups gnomAD compares: Non-Finnish European, 0.0021%; no homozygotes.

Submissions (2):

Labcorp Genetics (formerly Invitae), Labcorp
Classification: Uncertain significance. Last evaluated: 2024-11-15. Review status: criteria provided, single submitter. Criteria: Invitae Variant Classification Sherloc (09022015). Collection method: clinical testing. Allele origin: germline.
Comment: This sequence change replaces asparagine, which is neutral and polar, with aspartic acid, which is acidic and polar, at codon 81 of the LOX protein (p.Asn81Asp). This variant is not present in population databases (gnomAD no frequency). This variant has not been reported in the literature in individuals affected with LOX-related conditions. ClinVar contains an entry for this variant (Variation ID: 1397047). Invitae Evidence Modeling of protein sequence and biophysical properties (such as structural, functional, and spatial information, amino acid conservation, physicochemical variation, residue mobility, and thermodynamic stability) indicates that this missense variant is not expected to disrupt LOX protein function with a negative predictive value of 95%. In summary, the available evidence is currently insufficient to determine the role of this variant in disease. Therefore, it has been classified as a Variant of Uncertain Significance.

GeneDx
Classification: Uncertain significance. Last evaluated: 2022-03-11. Review status: criteria provided, single submitter. Criteria: GeneDx Variant Classification Process June 2021. Collection method: clinical testing. Allele origin: germline. Affected: yes.
Comment: Has not been previously published as pathogenic or benign to our knowledge; Not observed at significant frequency in large population cohorts (gnomAD); In silico analysis supports that this missense variant does not alter protein structure/function